The following is an entry in ClinVar:

NM_018979.4(WNK1):c.4544C>T (p.Thr1515Ile)

Gene: WNK1 (WNK lysine deficient protein kinase 1; plus strand). Cytogenetic location: 12p13.33.
Variant type: single nucleotide variant.
Coding change: c.4544C>T on transcript NM_018979.4 (MANE Select); coding-DNA position 4544, C replaced by T.
Protein change: p.Thr1515Ile; replaces threonine 1515 with isoleucine.
Molecular consequence: missense variant.
Genome position (GRCh38, 1-based): chr12:885,348, C>T. VCF-style: chr12-885348-C-T. GRCh37 (hg19) VCF-style: chr12-994514-C-T.
Other names: c.5300C>T, p.Thr1767Ile (NM_213655.5); c.5324C>T, p.Thr1775Ile (NM_001184985.2); c.3803C>T, p.Thr1268Ile (NM_014823.3); short protein forms T1268I, T1515I, T1767I, T1775I.
Identifiers: ClinVar variation 3752266 (VCV003752266.2).

ClinVar aggregate classification (germline): Uncertain significance (1 of 4 stars; one submission).

Conditions:
Neuropathy, hereditary sensory and autonomic, type 2A (HSAN2A). Also called: ACROOSTEOLYSIS, GIACCAI TYPE; ACROOSTEOLYSIS, NEUROGENIC; MORVAN DISEASE; NEUROPATHY, CONGENITAL SENSORY; NEUROPATHY, HEREDITARY SENSORY RADICULAR, AUTOSOMAL RECESSIVE; NEUROPATHY, HEREDITARY SENSORY, TYPE IIA. Identifiers: Orphanet 970, MedGen C2752089, MONDO:0024309, OMIM 201300.
Pseudohypoaldosteronism type 2C (PHA2C). Also called: Pseudohypoaldosteronism Type IIC. Identifiers: Orphanet 757, Orphanet 88940, MedGen C1840391, MONDO:0013778, OMIM 614492.

Submission:

Labcorp Genetics (formerly Invitae), Labcorp
Classification: Uncertain significance for Neuropathy, hereditary sensory and autonomic, type 2A; Pseudohypoaldosteronism type 2C. Last evaluated: 2025-01-18. Review status: criteria provided, single submitter. Criteria: Invitae Variant Classification Sherloc (09022015). Collection method: clinical testing. Allele origin: germline.
Comment: This sequence change replaces threonine, which is neutral and polar, with isoleucine, which is neutral and non-polar, at codon 1767 of the WNK1 protein (p.Thr1767Ile). This variant is present in population databases (rs756386647, gnomAD 0.003%). This variant has not been reported in the literature in individuals affected with WNK1-related conditions. Invitae Evidence Modeling of protein sequence and biophysical properties (such as structural, functional, and spatial information, amino acid conservation, physicochemical variation, residue mobility, and thermodynamic stability) indicates that this missense variant is not expected to disrupt WNK1 protein function with a negative predictive value of 95%. In summary, the available evidence is currently insufficient to determine the role of this variant in disease. Therefore, it has been classified as a Variant of Uncertain Significance.